The following is an entry in ClinVar:

NM_000094.4(COL7A1):c.6341G>C (p.Gly2114Ala)

Gene: COL7A1 (collagen type VII alpha 1 chain; minus strand). Cytogenetic location: 3p21.31.
Variant type: single nucleotide variant.
Coding change: c.6341G>C on transcript NM_000094.4 (MANE Select); coding-DNA position 6341, G replaced by C.
Protein change: p.Gly2114Ala; replaces glycine 2114 with alanine.
Molecular consequence: missense variant.
Genome position (GRCh38, 1-based): chr3:48,574,804, C>G on the plus strand (G>C on the coding strand, the complement: COL7A1 is on the minus strand). VCF-style: chr3-48574804-C-G. GRCh37 (hg19) VCF-style: chr3-48612237-C-G.
Other names: short protein forms G2114A.
Identifiers: ClinVar variation 2711717 (VCV002711717.3), dbSNP rs2044175577, ClinGen allele CA352659580.

ClinVar aggregate classification (germline): Likely pathogenic (1 of 4 stars; one submission).

Submission:

Labcorp Genetics (formerly Invitae), Labcorp
Classification: Likely pathogenic. Last evaluated: 2023-06-11. Review status: criteria provided, single submitter. Criteria: Invitae Variant Classification Sherloc (09022015). Collection method: clinical testing. Allele origin: germline.
Comment: In summary, the currently available evidence indicates that the variant is pathogenic, but additional data are needed to prove that conclusively. Therefore, this variant has been classified as Likely Pathogenic. This variant disrupts the p.Gly2114 amino acid residue in COL7A1. Other variant(s) that disrupt this residue have been determined to be pathogenic (PMID: 31090061; Invitae). This suggests that this residue is clinically significant, and that variants that disrupt this residue are likely to be disease-causing. This variant disrupts the triple helix domain of COL7A1. Glycine residues within the Gly-Xaa-Yaa repeats of the triple helix domain are required for the structure and stability of fibrillar collagens (PMID: 7695699, 8218237, 19344236), and variants at these glycine residues in COL7A1 are more frequently observed in individuals with disease than in the general population (PMID: 22058051). However, the clinical significance of this observation remains uncertain since only a limited number of affected individuals have been described to date. Advanced modeling of protein sequence and biophysical properties (such as structural, functional, and spatial information, amino acid conservation, physicochemical variation, residue mobility, and thermodynamic stability) performed at Invitae indicates that this missense variant is expected to disrupt COL7A1 protein function. This variant has not been reported in the literature in individuals affected with COL7A1-related conditions. This variant is not present in population databases (gnomAD no frequency). This sequence change replaces glycine, which is neutral and non-polar, with alanine, which is neutral and non-polar, at codon 2114 of the COL7A1 protein (p.Gly2114Ala).

Literature cited by the submitters: PubMed 31090061; PubMed 7695699; PubMed 8218237; PubMed 19344236; PubMed 22058051.